The following is an entry in ClinVar:

ClinVar aggregate classification (germline): Uncertain significance. Review status: criteria provided, multiple submitters, no conflicts (2 of 4 stars). 2 submissions from 2 submitters: Uncertain significance (2). Last evaluated 2023-08-17.

Conditions:
Hereditary cancer-predisposing syndrome. Also called: Neoplastic Syndromes, Hereditary; Hereditary neoplastic syndrome; Hereditary Cancer Syndrome; Tumor predisposition. Identifiers: Orphanet 140162, MedGen C0027672, MeSH D009386, MONDO:0015356.
Gastrointestinal stromal tumor. Also called: Gastrointestinal stromal tumor, somatic; Gastrointestinal stroma tumor. Identifiers: Orphanet 44890, MedGen C0238198, MeSH D046152, MONDO:0011719, OMIM 606764, HP:0100723.

Allele frequency attached by ClinVar (database versions not stated): gnomAD exomes below 0.00001.
gnomAD v4.1: 2 of 1,614,034 alleles (0.00012%); highest among the groups gnomAD compares: South Asian, 0.0022%; no homozygotes.

Submissions (2):

Labcorp Genetics (formerly Invitae), Labcorp
Classification: Uncertain significance for Gastrointestinal stromal tumor. Last evaluated: 2023-08-17. Review status: criteria provided, single submitter. Criteria: Invitae Variant Classification Sherloc (09022015). Collection method: clinical testing. Allele origin: germline.
Comment: This variant is present in population databases (no rsID available, gnomAD 0.003%). This sequence change replaces valine, which is neutral and non-polar, with methionine, which is neutral and non-polar, at codon 972 of the KIT protein (p.Val972Met). In summary, the available evidence is currently insufficient to determine the role of this variant in disease. Therefore, it has been classified as a Variant of Uncertain Significance. An algorithm developed to predict the effect of missense changes on protein structure and function (PolyPhen-2) suggests that this variant is likely to be disruptive. ClinVar contains an entry for this variant (Variation ID: 1797611). This variant has not been reported in the literature in individuals affected with KIT-related conditions.

Ambry Genetics
Classification: Uncertain significance for Hereditary cancer-predisposing syndrome. Last evaluated: 2021-08-10. Review status: criteria provided, single submitter. Criteria: Ambry Variant Classification Scheme 2023. Collection method: clinical testing. Allele origin: germline.
Comment: The p.V972M variant (also known as c.2914G>A), located in coding exon 21 of the KIT gene, results from a G to A substitution at nucleotide position 2914. The valine at codon 972 is replaced by methionine, an amino acid with highly similar properties. This amino acid position is conserved. In addition, this alteration is predicted to be tolerated by in silico analysis. Since supporting evidence is limited at this time, the clinical significance of this alteration remains unclear.

NM_000222.3(KIT):c.2914G>A (p.Val972Met)

Gene: KIT (KIT proto-oncogene, receptor tyrosine kinase; plus strand). Cytogenetic location: 4q12.
Variant type: single nucleotide variant.
Coding change: c.2914G>A on transcript NM_000222.3 (MANE Select); coding-DNA position 2914, G replaced by A.
Protein change: p.Val972Met; replaces valine 972 with methionine.
Molecular consequence: missense variant.
Genome position (GRCh38, 1-based): chr4:54,738,540, G>A. VCF-style: chr4-54738540-G-A. GRCh37 (hg19) VCF-style: chr4-55604706-G-A.
Other names: c.2902G>A, p.Val968Met (NM_001093772.2, NM_001385292.1); c.2917G>A, p.Val973Met (NM_001385284.1); c.2911G>A, p.Val971Met (NM_001385285.1); c.2899G>A, p.Val967Met (NM_001385286.1); c.2905G>A, p.Val969Met (NM_001385288.1); c.2914G>A, p.Val972Met (NM_001385290.1); short protein forms V971M, V972M, V973M, V967M, V968M, V969M.
Identifiers: ClinVar variation 1797611 (VCV001797611.5), dbSNP rs1429838425, ClinGen allele CA356916570.